The following is an entry in ClinVar:

NM_001379500.1(COL18A1):c.1951G>A (p.Gly651Arg)

Gene: COL18A1 (collagen type XVIII alpha 1 chain; plus strand). Cytogenetic location: 21q22.3.
Variant type: single nucleotide variant.
Coding change: c.1951G>A on transcript NM_001379500.1 (MANE Select); coding-DNA position 1951, G replaced by A.
Protein change: p.Gly651Arg; replaces glycine 651 with arginine.
Molecular consequence: missense variant.
Genome position (GRCh38, 1-based): chr21:45,489,513, G>A. VCF-style: chr21-45489513-G-A. GRCh37 (hg19) VCF-style: chr21-46909427-G-A.
Other names: c.2491G>A, p.Gly831Arg (NM_030582.4); c.3196G>A, p.Gly1066Arg (NM_130444.3); c.2491G>A (NM_030582.3); short protein forms G651R, G1066R, G831R.
Identifiers: ClinVar variation 1426153 (VCV001426153.7), dbSNP rs1014046933, ClinGen allele CA321918851.

ClinVar aggregate classification (germline): Uncertain significance. Review status: criteria provided, multiple submitters, no conflicts (2 of 4 stars). 2 submissions from 2 submitters: Uncertain significance (2). Last evaluated 2024-11-09.

Conditions:
COL18A1-related disorder. Also called: COL18A1-related disorders; COL18A1-related condition.

Allele frequency attached by ClinVar (database versions not stated): gnomAD exomes 0.00001; TOPMed 0.00001.
gnomAD v4.1: 10 of 1,602,444 alleles (0.00062%); highest among the groups gnomAD compares: South Asian, 0.0022%; no homozygotes.

Submissions (2):

PreventionGenetics, part of Exact Sciences
Classification: Uncertain significance for COL18A1-related condition. Last evaluated: 2024-11-09. Review status: criteria provided, single submitter. Criteria: ACMG Guidelines, 2015. Collection method: clinical testing. Allele origin: germline.
Comment: The COL18A1 c.2491G>A variant is predicted to result in the amino acid substitution p.Gly831Arg. To our knowledge, this variant has not been reported in the literature. This variant is reported in 0.0030% of alleles in individuals of Latino descent in gnomAD. At this time, the clinical significance of this variant is uncertain due to the absence of conclusive functional and genetic evidence.

Labcorp Genetics (formerly Invitae), Labcorp
Classification: Uncertain significance. Last evaluated: 2021-12-03. Review status: criteria provided, single submitter. Criteria: Invitae Variant Classification Sherloc (09022015). Collection method: clinical testing. Allele origin: germline.
Comment: The frequency data for this variant in the population databases is considered unreliable, as metrics indicate poor data quality at this position in the gnomAD database. This variant has not been reported in the literature in individuals affected with COL18A1-related conditions. Experimental studies and prediction algorithms are not available or were not evaluated, and the functional significance of this variant is currently unknown. In summary, the available evidence is currently insufficient to determine the role of this variant in disease. Therefore, it has been classified as a Variant of Uncertain Significance. This sequence change replaces glycine, which is neutral and non-polar, with arginine, which is basic and polar, at codon 651 of the COL18A1 protein (p.Gly651Arg).